The following is an entry in ClinVar:

NM_005956.4(MTHFD1):c.878G>A (p.Arg293His)

Gene: MTHFD1 (methylenetetrahydrofolate dehydrogenase, cyclohydrolase and formyltetrahydrofolate synthetase 1; plus strand). Cytogenetic location: 14q23.3.
Variant type: single nucleotide variant.
Coding change: c.878G>A on transcript NM_005956.4 (MANE Select); coding-DNA position 878, G replaced by A.
Protein change: p.Arg293His; replaces arginine 293 with histidine.
Molecular consequence: missense variant.
Genome position (GRCh38, 1-based): chr14:64,425,752, G>A. VCF-style: chr14-64425752-G-A. GRCh37 (hg19) VCF-style: chr14-64892470-G-A.
Other names: c.878G>A, p.Arg293His (LRG_1243t1, NM_001364837.1); short protein forms R293H.
Identifiers: ClinVar variation 13632 (VCV000013632.41), dbSNP rs34181110, ClinGen allele CA123307.

ClinVar aggregate classification (germline): Conflicting classifications of pathogenicity. Review status: criteria provided, conflicting classifications (1 of 4 stars). 6 submissions from 6 submitters: Uncertain significance (1); Benign (1); Likely benign (3). 1 of the submissions does not count toward it. Last evaluated 2026-07-01.

Conditions:
Combined immunodeficiency and megaloblastic anemia with or without hyperhomocysteinemia. Also called: COMBINED IMMUNODEFICIENCY AND MEGALOBLASTIC ANEMIA; METHYLENETETRAHYDROFOLATE DEHYDROGENASE 1 DEFICIENCY. Identifiers: Orphanet 658813, MedGen C4540434, MONDO:0060611, OMIM 617780.
Spina bifida, folate-sensitive, susceptibility to.

Allele frequency attached by ClinVar (database versions not stated): gnomAD 0.00241 and 0.00189; TOPMed 0.00260; gnomAD exomes 0.00263 and 0.00167; ExAC 0.00154.
gnomAD v4.1: 4,279 of 1,612,896 alleles (0.27%); highest among the groups gnomAD compares: Non-Finnish European, 0.31%; 15 homozygotes.

Submissions (6):

CeGaT Center for Human Genetics Tuebingen
Classification: Likely benign. Last evaluated: 2026-07-01. Review status: criteria provided, single submitter. Criteria: CeGaT Center For Human Genetics Tuebingen Variant Classification Criteria Version 2. Collection method: clinical testing. Allele origin: germline. Affected: yes. Observed: 4 variant alleles.
Comment: MTHFD1: BP4

Labcorp Genetics (formerly Invitae), Labcorp
Classification: Likely benign. Last evaluated: 2026-01-28. Review status: criteria provided, single submitter. Criteria: Invitae Variant Classification Sherloc (09022015). Collection method: clinical testing. Allele origin: germline.

Blueprint Genetics
Classification: Likely benign. Last evaluated: 2024-11-06. Review status: criteria provided, single submitter. Criteria: ACMG Guidelines, 2015. Collection method: clinical testing. Allele origin: germline.

Mendelics
Classification: Benign. Last evaluated: 2022-05-04. Review status: criteria provided, single submitter. Criteria: Mendelics Assertion Criteria 2019. Collection method: clinical testing. Allele origin: germline.

Center for Genomics, Ann and Robert H. Lurie Children's Hospital of Chicago
Classification: Uncertain significance for Combined immunodeficiency and megaloblastic anemia with or without hyperhomocysteinemia. Last evaluated: 2021-08-16. Review status: criteria provided, single submitter. Criteria: ACMG Guidelines, 2015. Collection method: clinical testing. Allele origin: germline.
Comment: MTHFD1 NM_005956.3 exon 10 p.Arg293His (c.878G>A): This variant has been reported in the literature in 1 individual in association with neural tube defects, segregating with disease in 1 affected family member (Hol 1998 PMID:9611072). This variant is present in 0.3% (217/68022) of European alleles and in 7 homozygotes in the Genome Aggregation Database. This variant is present in ClinVar (Variation ID: 13632). This variant amino acid (Histidine) is present in several species including multiple mammals, and is not well conserved among evolutionarily distant species; this suggests that this variant may not impact the protein. Additional computational prediction tools are unclear. In summary, data on this variant is insufficient for disease classification. Therefore, the clinical significance of this variant is uncertain.

OMIM
Classification: risk factor for SPINA BIFIDA, FOLATE-SENSITIVE, SUSCEPTIBILITY TO. Last evaluated: 1998-02-01. Review status: no assertion criteria provided. Collection method: literature only. Allele origin: germline. Not counted in ClinVar's aggregate classification.

Literature cited by the submitters: Hol, F. A., van der Put, N. M. J., Geurds, M. P. A., Heil, S. G., Trijbels, F. J. M., Hamel, B. C. J., Mariman, E. C. M., Blom, H. J. Molecular genetic analysis of the gene encoding the trifunctional enzyme MTHFD (methylenetetrahydrofolate-dehydrogenase, methenyltetrahydrofolate-cyclohydrolase, formyltetrahydrofolate synthetase) in patients with neural tube defects. Clin. Genet. 53: 119-125, 1998. (cited by OMIM).